The following is an entry in ClinVar:

NM_000540.3(RYR1):c.7702C>T (p.Leu2568Phe)

Gene: RYR1 (ryanodine receptor 1; plus strand). Cytogenetic location: 19q13.2.
Variant type: single nucleotide variant.
Coding change: c.7702C>T on transcript NM_000540.3 (MANE Select); coding-DNA position 7702, C replaced by T.
Protein change: p.Leu2568Phe; replaces leucine 2568 with phenylalanine.
Molecular consequence: missense variant.
Genome position (GRCh38, 1-based): chr19:38,502,594, C>T. VCF-style: chr19-38502594-C-T. GRCh37 (hg19) VCF-style: chr19-38993234-C-T.
Other names: c.7702C>T, p.Leu2568Phe (NM_001042723.2); short protein forms L2568F.
Identifiers: ClinVar variation 4758949 (VCV004758949.1).

ClinVar aggregate classification (germline): Uncertain significance (1 of 4 stars; one submission).

Conditions:
Malignant hyperthermia, susceptibility to, 1 (MHS1). Also called: RYR1-Related Malignant Hyperthermia Susceptibility; Malignant hyperthermia suceptibility 1; Anesthesia related hyperthermia; Malignant hyperpyrexia; Fulminating hyperpyrexia; Pharmacogenic myopathy. Identifiers: Orphanet 423, MedGen C2930980, MONDO:0007783, OMIM 145600.

Submission:

Color Diagnostics, LLC DBA Color Health
Classification: Uncertain significance for Malignant hyperthermia, susceptibility to, 1. Last evaluated: 2025-07-16. Review status: criteria provided, single submitter. Criteria: ACMG Guidelines, 2015. Collection method: clinical testing. Allele origin: germline.
Comment: This missense variant replaces leucine with phenylalanine at codon 2568 of the RYR1 protein. Computational prediction suggests that this variant may not impact protein structure and function. To our knowledge, functional studies have not been reported for this variant. This variant has not been reported in individuals affected with RYR1-related disorders in the literature. This variant has not been identified in the general population by the Genome Aggregation Database (gnomAD). The available evidence is insufficient to determine the role of this variant in disease conclusively. Therefore, this variant is classified as a Variant of Uncertain Significance.